The following is an entry in ClinVar:

ClinVar aggregate classification (germline): Uncertain significance. Review status: criteria provided, multiple submitters, no conflicts (2 of 4 stars). 2 submissions from 2 submitters: Uncertain significance (2). Last evaluated 2025-12-26.

Conditions:
Congenital heart defects, multiple types, 2 (CHTD2). Also called: Congenital heart defects, nonsyndromic, 2. Identifiers: Orphanet 664401, MedGen C3554279, MONDO:0014000, OMIM 614980.

Allele frequency attached by ClinVar (database versions not stated): gnomAD 0.00001; ExAC 0.00002; gnomAD exomes 0.00003.
gnomAD v4.1: 42 of 1,613,996 alleles (0.0026%); highest among the groups gnomAD compares: Non-Finnish European, 0.0036%; no homozygotes.

Submissions (2):

Labcorp Genetics (formerly Invitae), Labcorp
Classification: Uncertain significance. Last evaluated: 2025-12-26. Review status: criteria provided, single submitter. Criteria: Invitae Variant Classification Sherloc (09022015). Collection method: clinical testing. Allele origin: germline.
Comment: This sequence change replaces histidine, which is basic and polar, with arginine, which is basic and polar, at codon 6 of the TAB2 protein (p.His6Arg). This variant is present in population databases (rs763061741, gnomAD 0.002%). This variant has not been reported in the literature in individuals affected with TAB2-related conditions. ClinVar contains an entry for this variant (Variation ID: 2436924). Invitae Evidence Modeling of protein sequence and biophysical properties (such as structural, functional, and spatial information, amino acid conservation, physicochemical variation, residue mobility, and thermodynamic stability) indicates that this missense variant is not expected to disrupt TAB2 protein function with a negative predictive value of 80%. In summary, the available evidence is currently insufficient to determine the role of this variant in disease. Therefore, it has been classified as a Variant of Uncertain Significance.

Revvity Omics, Revvity
Classification: Uncertain significance for Congenital heart defects, multiple types, 2. Last evaluated: 2023-01-26. Review status: criteria provided, single submitter. Criteria: ACMG Guidelines, 2015. Collection method: clinical testing. Allele origin: germline.

NM_001292034.3(TAB2):c.17A>G (p.His6Arg)

Gene: TAB2 (TGF-beta activated kinase 1 (MAP3K7) binding protein 2; plus strand). Cytogenetic location: 6q25.1.
Variant type: single nucleotide variant.
Coding change: c.17A>G on transcript NM_001292034.3 (MANE Select); coding-DNA position 17, A replaced by G.
Protein change: p.His6Arg; replaces histidine 6 with arginine.
Molecular consequence: missense variant. On other transcripts: intron variant (1).
Genome position (GRCh38, 1-based): chr6:149,370,014, A>G. VCF-style: chr6-149370014-A-G. GRCh37 (hg19) VCF-style: chr6-149691150-A-G.
Other names: c.17A>G, p.His6Arg (NM_001369506.1, NM_015093.6); c.7-8004A>G (NM_001292035.3); short protein forms H6R.
Identifiers: ClinVar variation 2436924 (VCV002436924.4), dbSNP rs763061741, ClinGen allele CA4041326.